The following is an entry in ClinVar:

ClinVar aggregate classification (germline): Uncertain significance. Review status: criteria provided, multiple submitters, no conflicts (2 of 4 stars). 2 submissions from 2 submitters: Uncertain significance (2). Last evaluated 2025-06-07.

Conditions:
Cardiovascular phenotype. Identifiers: MedGen CN230736.

Allele frequency attached by ClinVar (database versions not stated): ExAC 0.00003.

Submissions (2):

Ambry Genetics
Classification: Uncertain significance for Cardiovascular phenotype. Last evaluated: 2025-06-07. Review status: criteria provided, single submitter. Criteria: Ambry Variant Classification Scheme 2023. Collection method: clinical testing. Allele origin: germline.

Labcorp Genetics (formerly Invitae), Labcorp
Classification: Uncertain significance. Last evaluated: 2025-04-08. Review status: criteria provided, single submitter. Criteria: Invitae Variant Classification Sherloc (09022015). Collection method: clinical testing. Allele origin: germline.
Comment: This sequence change replaces arginine, which is basic and polar, with histidine, which is basic and polar, at codon 141 of the MFAP5 protein (p.Arg141His). This variant is present in population databases (rs767319138, gnomAD 0.005%). This variant has not been reported in the literature in individuals affected with MFAP5-related conditions. ClinVar contains an entry for this variant (Variation ID: 1738887). An algorithm developed to predict the effect of missense changes on protein structure and function (PolyPhen-2) suggests that this variant is likely to be disruptive. In summary, the available evidence is currently insufficient to determine the role of this variant in disease. Therefore, it has been classified as a Variant of Uncertain Significance.

NM_003480.4(MFAP5):c.422G>A (p.Arg141His)

Genes: MFAP5 (microfibril associated protein 5; minus strand), LOC126861443 (BRD4-independent group 4 enhancer GRCh37_chr12:8800473-8801672; plus strand). Cytogenetic location: 12p13.31.
Variant type: single nucleotide variant.
Coding change: c.422G>A on transcript NM_003480.4 (MANE Select); coding-DNA position 422, G replaced by A.
Protein change: p.Arg141His; replaces arginine 141 with histidine.
Molecular consequence: missense variant. On other transcripts: non-coding transcript variant (2).
Genome position (GRCh38, 1-based): chr12:8,648,191, C>T on the plus strand (G>A on the coding strand, the complement: MFAP5 is on the minus strand). VCF-style: chr12-8648191-C-T. GRCh37 (hg19) VCF-style: chr12-8800787-C-T.
Other names: c.392G>A, p.Arg131His (NM_001297709.2); c.356G>A, p.Arg119His (NM_001297710.2); c.347G>A, p.Arg116His (NM_001297711.2); c.230G>A, p.Arg77His (NM_001297712.2); short protein forms R116H, R119H, R131H, R77H, R141H.
Identifiers: ClinVar variation 1738887 (VCV001738887.6), dbSNP rs767319138, ClinGen allele CA6434574.